The following is an entry in ClinVar:

NM_000095.3(COMP):c.1469C>T (p.Pro490Leu)

Gene: COMP (cartilage oligomeric matrix protein; minus strand). Cytogenetic location: 19p13.11.
Variant type: single nucleotide variant.
Coding change: c.1469C>T on transcript NM_000095.3 (MANE Select); coding-DNA position 1469, C replaced by T.
Protein change: p.Pro490Leu; replaces proline 490 with leucine.
Molecular consequence: missense variant.
Genome position (GRCh38, 1-based): chr19:18,785,985, G>A on the plus strand (C>T on the coding strand, the complement: COMP is on the minus strand). VCF-style: chr19-18785985-G-A. GRCh37 (hg19) VCF-style: chr19-18896795-G-A.
Other names: short protein forms P490L.
Identifiers: ClinVar variation 3691663 (VCV003691663.2).
Genomic context (GRCh38, chr19:18,785,985, plus strand): 5'-ACTGGCCCCGCCCCCACCGCAGGCCCCGCCCCCGCCGTACTGTCCGCGTCCTCCTGGCCG[G>A]GGTTAGGCACCAGGCGGCAGTTGTCCCGACTGTCAGGGACTCCGTCATTGTCGTCGTCGT-3'
Protein context (NP_000086.2, residues 480-500): SRDNCRLVPN[Pro490Leu]GQEDADRDGV

ClinVar aggregate classification (germline): Uncertain significance (1 of 4 stars; one submission).

gnomAD v4.1: 4 of 1,612,498 alleles (0.00025%); highest among the groups gnomAD compares: Non-Finnish European, 0.00034%; no homozygotes.

Submission:

Labcorp Genetics (formerly Invitae), Labcorp
Classification: Uncertain significance. Last evaluated: 2025-02-21. Review status: criteria provided, single submitter. Criteria: Invitae Variant Classification Sherloc (09022015). Collection method: clinical testing. Allele origin: germline.
Comment: This sequence change replaces proline, which is neutral and non-polar, with leucine, which is neutral and non-polar, at codon 490 of the COMP protein (p.Pro490Leu). This variant is present in population databases (rs748431274, gnomAD 0.0009%). This variant has not been reported in the literature in individuals affected with COMP-related conditions. Invitae Evidence Modeling of protein sequence and biophysical properties (such as structural, functional, and spatial information, amino acid conservation, physicochemical variation, residue mobility, and thermodynamic stability) indicates that this missense variant is not expected to disrupt COMP protein function with a negative predictive value of 80%. In summary, the available evidence is currently insufficient to determine the role of this variant in disease. Therefore, it has been classified as a Variant of Uncertain Significance.